The following is an entry in ClinVar:

NM_000038.6(APC):c.933+942T>C

Gene: APC (APC regulator of WNT signaling pathway; plus strand). Cytogenetic location: 5q22.2.
Variant type: single nucleotide variant.
Coding change: c.933+942T>C on transcript NM_000038.6 (MANE Select); 942 bases into the intron after coding-DNA position 933, T replaced by C.
Molecular consequence: intron variant.
Genome position (GRCh38, 1-based): chr5:112,816,535, T>C. VCF-style: chr5-112816535-T-C. GRCh37 (hg19) VCF-style: chr5-112152232-T-C.
Other names: c.933+942T>C (NM_001354895.2, NM_001127510.3, NM_001354896.2 and 1 more transcripts); c.963+942T>C (NM_001354897.2, NM_001354902.2); c.879+942T>C (NM_001127511.3); c.858+942T>C (NM_001354898.2, NM_001354904.2); c.84+942T>C (NM_001354906.2); c.849+942T>C (NM_001354899.2); c.756+942T>C (NM_001354900.2, NM_001354901.2, NM_001354905.2).
Identifiers: ClinVar variation 83103 (VCV000083103.2), dbSNP rs78711649, ClinGen allele CA015811.
Genomic context (GRCh38, chr5:112,816,535, plus strand): 5'-TTTGGGAATAATGTTTGAAAAGAAAATAGTTACTTTAAGCCGGATGTGGTGGCTCACACC[T>C]GTAATCCCAGAAATTTGGGAGGCTGAGGTGGGTGGATCACTTGAGGCCAGGAGTTCGAAA-3'

ClinVar aggregate classification (germline): other (0 of 4 stars; one submission).

Conditions:
Familial colorectal cancer. Identifiers: MedGen CN280943, MONDO:0023113. Disease mechanism: loss of function.

Allele frequency attached by ClinVar (database versions not stated): TOPMed below 0.00001.

Submission:

Systems Biology Platform Zhejiang California International NanoSystems Institute
Classification: other for Familial colorectal cancer. Review status: no assertion criteria provided. Collection method: not provided. Allele origin: unknown.
ClinVar note: Converted during submission from cancer to other.